The following is an entry in ClinVar:

ClinVar aggregate classification (germline): Uncertain significance. Review status: criteria provided, multiple submitters, no conflicts (2 of 4 stars). 2 submissions from 2 submitters: Uncertain significance (2). Last evaluated 2026-07-28.

Conditions:
Inborn genetic diseases. Identifiers: MedGen C0950123, MeSH D030342.

Allele frequency attached by ClinVar (database versions not stated): gnomAD 0.00001; gnomAD exomes 0.00002; TOPMed 0.00001.
gnomAD v4.1: 18 of 1,207,516 alleles (0.0015%); highest among the groups gnomAD compares: South Asian, 0.0053%; no homozygotes.

Submissions (2):

Ambry Genetics
Classification: Uncertain significance for Inborn genetic diseases. Last evaluated: 2026-07-28. Review status: criteria provided, single submitter. Criteria: Ambry Variant Classification Scheme 2023. Collection method: clinical testing. Allele origin: germline.

Labcorp Genetics (formerly Invitae), Labcorp
Classification: Uncertain significance. Last evaluated: 2023-07-25. Review status: criteria provided, single submitter. Criteria: Invitae Variant Classification Sherloc (09022015). Collection method: clinical testing. Allele origin: germline.
Comment: In summary, the available evidence is currently insufficient to determine the role of this variant in disease. Therefore, it has been classified as a Variant of Uncertain Significance. Advanced modeling of protein sequence and biophysical properties (such as structural, functional, and spatial information, amino acid conservation, physicochemical variation, residue mobility, and thermodynamic stability) has been performed at Invitae for this missense variant, however the output from this modeling did not meet the statistical confidence thresholds required to predict the impact of this variant on PHEX protein function. This variant has not been reported in the literature in individuals affected with PHEX-related conditions. This variant is present in population databases (no rsID available, gnomAD 0.001%). This sequence change replaces arginine, which is basic and polar, with histidine, which is basic and polar, at codon 205 of the PHEX protein (p.Arg205His).

NM_000444.6(PHEX):c.614G>A (p.Arg205His)

Gene: PHEX (phosphate regulating endopeptidase X-linked; plus strand). Cytogenetic location: Xp22.11.
Variant type: single nucleotide variant.
Coding change: c.614G>A on transcript NM_000444.6 (MANE Select); coding-DNA position 614, G replaced by A.
Protein change: p.Arg205His; replaces arginine 205 with histidine.
Molecular consequence: missense variant.
Genome position (GRCh38, 1-based): chrX:22,077,653, G>A. VCF-style: chrX-22077653-G-A. GRCh37 (hg19) VCF-style: chrX-22095771-G-A.
Other names: c.614G>A, p.Arg205His (NM_001282754.2); c.614G>A (NM_000444.4); short protein forms R205H.
Identifiers: ClinVar variation 2965561 (VCV002965561.4), dbSNP rs1388893387, ClinGen allele CA412571607.